The following is an entry in ClinVar:

ClinVar aggregate classification (germline): Pathogenic/Likely pathogenic. Review status: criteria provided, multiple submitters, no conflicts (2 of 4 stars). 2 submissions from 2 submitters: Pathogenic (1); Likely pathogenic (1). Last evaluated 2024-02-02.

Conditions:
Primary hyperoxaluria, type I (HP1). Also called: OXALOSIS I; Primary hyperoxaluria type 1; GLYCOLIC ACIDURIA; HEPATIC AGT DEFICIENCY. Identifiers: Orphanet 416, Orphanet 93598, MedGen C0268164, MONDO:0009823, OMIM 259900. Disease mechanism: loss of function.

Allele frequency attached by ClinVar (database versions not stated): ExAC 0.00001.

Submissions (2):

Labcorp Genetics (formerly Invitae), Labcorp
Classification: Pathogenic. Last evaluated: 2024-02-02. Review status: criteria provided, single submitter. Criteria: Invitae Variant Classification Sherloc (09022015). Collection method: clinical testing. Allele origin: germline.
Comment: This sequence change replaces glycine, which is neutral and non-polar, with arginine, which is basic and polar, at codon 47 of the AGXT protein (p.Gly47Arg). This variant is present in population databases (rs180177173, gnomAD 0.003%). This missense change has been observed in individual(s) with primary hyperoxaluria type 1 (PMID: 17460142, 20564000). Advanced modeling of protein sequence and biophysical properties (such as structural, functional, and spatial information, amino acid conservation, physicochemical variation, residue mobility, and thermodynamic stability) performed at Invitae indicates that this missense variant is expected to disrupt AGXT protein function with a positive predictive value of 80%. Experimental studies have shown that this missense change affects AGXT function (PMID: 24718375, 26149463). For these reasons, this variant has been classified as Pathogenic.

Clinical Biochemistry Laboratory, Health Services Laboratory
Classification: Likely pathogenic for Primary hyperoxaluria, type I. Last evaluated: 2023-10-27. Review status: criteria provided, single submitter. Criteria: ACMG Guidelines, 2015. Collection method: curation. Allele origin: germline.
Comment: ACMG:PS1 PM2 PP3

Literature cited by the submitters: PubMed 17460142 (cited by Labcorp Genetics (formerly Invitae), Labcorp); PubMed 20564000 (cited by Labcorp Genetics (formerly Invitae), Labcorp); PubMed 24718375 (cited by Labcorp Genetics (formerly Invitae), Labcorp); PubMed 26149463 (cited by Labcorp Genetics (formerly Invitae), Labcorp).

NM_000030.3(AGXT):c.139G>C (p.Gly47Arg)

Gene: AGXT (alanine--glyoxylate aminotransferase; plus strand). Cytogenetic location: 2q37.3.
Variant type: single nucleotide variant.
Coding change: c.139G>C on transcript NM_000030.3 (MANE Select); coding-DNA position 139, G replaced by C.
Protein change: p.Gly47Arg; replaces glycine 47 with arginine.
Molecular consequence: missense variant.
Genome position (GRCh38, 1-based): chr2:240,869,004, G>C. VCF-style: chr2-240869004-G-C. GRCh37 (hg19) VCF-style: chr2-241808421-G-C.
Other names: short protein forms G47R.
Identifiers: ClinVar variation 2681194 (VCV002681194.3), dbSNP rs180177173, ClinGen allele CA2208986.